The following is an entry in ClinVar:

ClinVar aggregate classification (germline): Uncertain significance. Review status: criteria provided, multiple submitters, no conflicts (2 of 4 stars). 2 submissions from 2 submitters: Uncertain significance (2). Last evaluated 2024-05-15.

Conditions:
Pancreatic cancer, susceptibility to, 1. Identifiers: Orphanet 1333, MedGen C1847351, MONDO:0011739, OMIM 606856.

Allele frequency attached by ClinVar (database versions not stated): ExAC 0.00001; gnomAD exomes 0.00002; gnomAD 0.00003.
gnomAD v4.1: 31 of 1,614,178 alleles (0.0019%); highest among the groups gnomAD compares: Admixed American, 0.018%; no homozygotes.

Submissions (2):

Fulgent Genetics
Classification: Uncertain significance for Pancreatic cancer, susceptibility to, 1. Last evaluated: 2024-05-15. Review status: criteria provided, single submitter. Criteria: ACMG Guidelines, 2015. Collection method: clinical testing. Allele origin: germline.

Ambry Genetics
Classification: Uncertain significance. Last evaluated: 2023-01-15. Review status: criteria provided, single submitter. Criteria: Ambry Variant Classification Scheme 2023. Collection method: clinical testing. Allele origin: germline.
Comment: The p.P72L variant (also known as c.215C>T), located in coding exon 1 of the PALLD gene, results from a C to T substitution at nucleotide position 215. The proline at codon 72 is replaced by leucine, an amino acid with similar properties. This amino acid position is conserved. In addition, this alteration is predicted to be tolerated by in silico analysis. Since supporting evidence is limited at this time, the clinical significance of this alteration remains unclear.

NM_001166108.2(PALLD):c.215C>T (p.Pro72Leu)

Gene: PALLD (palladin, cytoskeletal associated protein; plus strand). Cytogenetic location: 4q32.3.
Variant type: single nucleotide variant.
Coding change: c.215C>T on transcript NM_001166108.2 (MANE Select); coding-DNA position 215, C replaced by T.
Protein change: p.Pro72Leu; replaces proline 72 with leucine.
Molecular consequence: missense variant.
Genome position (GRCh38, 1-based): chr4:168,511,719, C>T. VCF-style: chr4-168511719-C-T. GRCh37 (hg19) VCF-style: chr4-169432870-C-T.
Other names: c.215C>T, p.Pro72Leu (NM_016081.4); short protein forms P72L.
Identifiers: ClinVar variation 2447338 (VCV002447338.3), dbSNP rs756698993, ClinGen allele CA3135319.